The following is an entry in ClinVar:

ClinVar aggregate classification (germline): Likely pathogenic (1 of 4 stars; one submission).

Conditions:
Dubin-Johnson syndrome (DJS). Also called: Jaundice, Chronic Idiopathic; HYPERBILIRUBINEMIA, DUBIN-JOHNSON TYPE; Hyperbilirubinemia type 2. Identifiers: Orphanet 234, MedGen C0022350, MONDO:0009380, OMIM 237500.

gnomAD v4.1: 1 of 1,612,370 alleles (0.000062%); highest among the groups gnomAD compares: Non-Finnish European, 0.000085%; no homozygotes.

Submission:

Diagnostics Services (NGS), CSIR - Centre For Cellular And Molecular Biology
Classification: Likely pathogenic for Dubin-Johnson syndrome. Last evaluated: 2025-10-09. Review status: criteria provided, single submitter. Criteria: ACMG Guidelines, 2015. Collection method: clinical testing. Allele origin: germline. Affected: yes. Observed: 1 homozygote.
Comment: The c.3843+1G>T variant is not present in publicly available population databases like 1000 Genomes, EVS, gnomAD, Indian Exome Database or our internal database. This variant has neither been published in the literature for ABCC2-related conditions nor reported to clinical databases like Human Genome Mutation database (HGMD), OMIM, or ClinVar in any affected individuals. Algorithms developed to predict the effect of sequence changes on RNA splicing suggest that this variant can disrupt the consensus splice site, however these predictions were not confirmed by published functional/translational studies.

NM_000392.5(ABCC2):c.3843+1G>T

Gene: ABCC2 (ATP binding cassette subfamily C member 2; plus strand). Cytogenetic location: 10q24.2.
Variant type: single nucleotide variant.
Coding change: c.3843+1G>T on transcript NM_000392.5 (MANE Select); the canonical splice donor site of the intron after coding-DNA position 3843, G replaced by T.
Molecular consequence: splice donor variant.
Genome position (GRCh38, 1-based): chr10:99,843,901, G>T. VCF-style: chr10-99843901-G-T. GRCh37 (hg19) VCF-style: chr10-101603658-G-T.
Identifiers: ClinVar variation 4279514 (VCV004279514.1).
Genomic context (GRCh38, chr10:99,843,901, plus strand): 5'-ATAGAGACCAACATTGTGGCTGTTGAGCGAATAACTGAGTACACAAAAGTGGAAAATGAG[G>T]TAAGGAGGAACTGGAAAAATCCAGGAACAAGGCAAAAACAACATGCAACTCCTTCGAGAG-3'